The following is an entry in ClinVar:

ClinVar aggregate classification (germline): Uncertain significance (1 of 4 stars; one submission).

Conditions:
Inborn genetic diseases. Identifiers: MedGen C0950123, MeSH D030342.

Submission:

Ambry Genetics
Classification: Uncertain significance for Inborn genetic diseases. Last evaluated: 2023-10-09. Review status: criteria provided, single submitter. Criteria: Ambry Variant Classification Scheme 2023. Collection method: clinical testing. Allele origin: germline.
Comment: The p.D587N variant (also known as c.1759G>A), located in coding exon 15 of the LRRK2 gene, results from a G to A substitution at nucleotide position 1759. The aspartic acid at codon 587 is replaced by asparagine, an amino acid with highly similar properties. This amino acid position is conserved. In addition, this alteration is predicted to be tolerated by in silico analysis. Since supporting evidence is limited at this time, the clinical significance of this alteration remains unclear.

NM_198578.4(LRRK2):c.1759G>A (p.Asp587Asn)

Gene: LRRK2 (leucine rich repeat kinase 2; plus strand). Cytogenetic location: 12q12.
Variant type: single nucleotide variant.
Coding change: c.1759G>A on transcript NM_198578.4 (MANE Select); coding-DNA position 1759, G replaced by A.
Protein change: p.Asp587Asn; replaces aspartic acid 587 with asparagine.
Molecular consequence: missense variant.
Genome position (GRCh38, 1-based): chr12:40,274,685, G>A. VCF-style: chr12-40274685-G-A. GRCh37 (hg19) VCF-style: chr12-40668487-G-A.
Other names: short protein forms D587N.
Identifiers: ClinVar variation 3229527 (VCV003229527.1), dbSNP rs2499623346, ClinGen allele CA384403177.